The following is an entry in ClinVar:

NM_003221.4(TFAP2B):c.328C>T (p.Gln110Ter)

Gene: TFAP2B (transcription factor AP-2 beta; plus strand). Cytogenetic location: 6p12.3.
Variant type: single nucleotide variant.
Coding change: c.328C>T on transcript NM_003221.4 (MANE Select); coding-DNA position 328, C replaced by T.
Protein change: p.Gln110Ter; replaces glutamine 110 with a stop codon.
Molecular consequence: nonsense.
Genome position (GRCh38, 1-based): chr6:50,823,653, C>T. VCF-style: chr6-50823653-C-T. GRCh37 (hg19) VCF-style: chr6-50791366-C-T.
Other names: short protein forms Q110*.
Identifiers: ClinVar variation 3390549 (VCV003390549.2).

ClinVar aggregate classification (germline): Pathogenic (1 of 4 stars; one submission).

Submission:

GeneDx
Classification: Pathogenic. Last evaluated: 2025-03-14. Review status: criteria provided, single submitter. Criteria: GeneDx Variant Classification Process June 2021. Collection method: clinical testing. Allele origin: germline.
Comment: Has not been previously published as pathogenic or benign to our knowledge; Not observed at significant frequency in large population cohorts (gnomAD); Nonsense variant predicted to result in protein truncation or nonsense mediated decay in a gene for which loss of function is a known mechanism of disease